The following is an entry in ClinVar:

NM_025137.4(SPG11):c.4012G>T (p.Glu1338Ter)

Gene: SPG11 (SPG11 vesicle trafficking associated, spatacsin; minus strand). Cytogenetic location: 15q21.1.
Variant type: single nucleotide variant.
Coding change: c.4012G>T on transcript NM_025137.4 (MANE Select); coding-DNA position 4012, G replaced by T.
Protein change: p.Glu1338Ter; replaces glutamic acid 1338 with a stop codon.
Molecular consequence: nonsense.
Genome position (GRCh38, 1-based): chr15:44,596,933, C>A on the plus strand (G>T on the coding strand, the complement: SPG11 is on the minus strand). VCF-style: chr15-44596933-C-A. GRCh37 (hg19) VCF-style: chr15-44889131-C-A.
Other names: c.4012G>T, p.Glu1338Ter (NM_001160227.2, NM_001411132.1); short protein forms E1338*.
Identifiers: ClinVar variation 3250419 (VCV003250419.1), dbSNP rs1555451163.
Genomic context (GRCh38, chr15:44,596,933, plus strand): 5'-TTAGTTTCATATTGTGTAGCCTGCAGAACTGCACCACTAATGCCCATTGGCTGCTAGATT[C>A]ACTGGATAACCTATAATCAGAATTAGAGGTGGGGGTGGTCAAGAAAAAACAAAAAACTCA-3'

ClinVar aggregate classification (germline): Likely pathogenic (1 of 4 stars; one submission).

Conditions:
Hereditary spastic paraplegia 11. Also called: Spastic paraplegia, mental retardation and thin corpus callosum; SPASTIC PARAPLEGIA, AUTOSOMAL RECESSIVE, COMPLICATED, WITH THIN CORPUS CALLOSUM; SPASTIC PARAPLEGIA, AUTOSOMAL RECESSIVE, WITH MENTAL IMPAIRMENT AND THIN CORPUS CALLOSUM; Spastic Paraplegia 11; Nakamura Osame syndrome; Autosomal recessive hereditary spastic paraplegia, mental impairment, and thin corpus callosum. Identifiers: Orphanet 2822, MedGen C1858479, MONDO:0011445, OMIM 604360.

Submission:

Neuberg Centre For Genomic Medicine, NCGM
Classification: Likely pathogenic for Hereditary spastic paraplegia 11. Review status: criteria provided, single submitter. Criteria: ACMG Guidelines, 2015. Collection method: clinical testing. Allele origin: germline. Inheritance: Autosomal recessive inheritance. Affected: yes.
Comment: The observed stop gained variant c.4012G>T (p.Glu1338Ter) in SPG11 gene has not been reported previously as a pathogenic variant nor as a benign variant, to our knowledge. The p.Glu1338Ter variant is absent in gnomAD Exomes. This variant has not been submitted to the ClinVar database. The nucleotide change c.4012G>T in SPG11 is predicted as conserved by GERP++ and PhyloP across 100 vertebrates. This variant is predicted to cause loss of normal protein function through protein truncation. Loss of function variants have been previously reported to be disease causing. For these reasons, this variant has been classified as Likely Pathogenic.